The following is an entry in ClinVar:

NM_001843.4(CNTN1):c.1110G>A (p.Ala370=)

Gene: CNTN1 (contactin 1; plus strand). Cytogenetic location: 12q12.
Variant type: single nucleotide variant.
Coding change: c.1110G>A on transcript NM_001843.4 (MANE Select); coding-DNA position 1110, G replaced by A.
Protein change: p.Ala370=; no amino-acid change (alanine 370 retained).
Molecular consequence: synonymous variant.
Genome position (GRCh38, 1-based): chr12:40,936,905, G>A. VCF-style: chr12-40936905-G-A. GRCh37 (hg19) VCF-style: chr12-41330707-G-A.
Other names: c.1110G>A, p.Ala370= (NM_001256063.2, NM_001256064.2); c.1077G>A, p.Ala359= (NM_175038.2).
Identifiers: ClinVar variation 566757 (VCV000566757.7), dbSNP rs770501938, ClinGen allele CA6516779.

ClinVar aggregate classification (germline): Uncertain significance (1 of 4 stars; one submission).

Conditions:
Compton-North congenital myopathy (CMYO12). Identifiers: Orphanet 210163, MedGen C2675527, MONDO:0012929, OMIM 612540.

Allele frequency attached by ClinVar (database versions not stated): gnomAD exomes below 0.00001 and 0.00001; ExAC 0.00001.
gnomAD v4.1: 8 of 1,612,652 alleles (0.0005%); highest among the groups gnomAD compares: Non-Finnish European, 0.00068%; no homozygotes.

Submission:

Labcorp Genetics (formerly Invitae), Labcorp
Classification: Uncertain significance for Compton-North congenital myopathy. Last evaluated: 2022-02-05. Review status: criteria provided, single submitter. Criteria: Invitae Variant Classification Sherloc (09022015). Collection method: clinical testing. Allele origin: germline.
Comment: This variant is present in population databases (rs770501938, gnomAD 0.006%). In summary, the available evidence is currently insufficient to determine the role of this variant in disease. Therefore, it has been classified as a Variant of Uncertain Significance. Variants that disrupt the consensus splice site are a relatively common cause of aberrant splicing (PMID: 17576681, 9536098). Algorithms developed to predict the effect of sequence changes on RNA splicing suggest that this variant may disrupt the consensus splice site. ClinVar contains an entry for this variant (Variation ID: 566757). This variant has not been reported in the literature in individuals affected with CNTN1-related conditions. This sequence change affects codon 370 of the CNTN1 mRNA. It is a 'silent' change, meaning that it does not change the encoded amino acid sequence of the CNTN1 protein. This variant also falls at the last nucleotide of exon 10, which is part of the consensus splice site for this exon.

Literature cited by the submitters: PubMed 17576681; PubMed 9536098.